The following is an entry in ClinVar:

ClinVar aggregate classification (germline): Uncertain significance (1 of 4 stars; one submission).

Submission:

Labcorp Genetics (formerly Invitae), Labcorp
Classification: Uncertain significance. Last evaluated: 2024-09-03. Review status: criteria provided, single submitter. Criteria: Invitae Variant Classification Sherloc (09022015). Collection method: clinical testing. Allele origin: germline.
Comment: This sequence change replaces glutamine, which is neutral and polar, with glutamic acid, which is acidic and polar, at codon 550 of the IMPDH1 protein (p.Gln550Glu). This variant is not present in population databases (gnomAD no frequency). This variant has not been reported in the literature in individuals affected with IMPDH1-related conditions. An algorithm developed to predict the effect of missense changes on protein structure and function (PolyPhen-2) suggests that this variant is likely to be disruptive. In summary, the available evidence is currently insufficient to determine the role of this variant in disease. Therefore, it has been classified as a Variant of Uncertain Significance.

NM_000883.4(IMPDH1):c.1648C>G (p.Gln550Glu)

Gene: IMPDH1 (inosine monophosphate dehydrogenase 1; minus strand). Cytogenetic location: 7q32.1.
Variant type: single nucleotide variant.
Coding change: c.1648C>G on transcript NM_000883.4 (MANE Select); coding-DNA position 1648, C replaced by G.
Protein change: p.Gln550Glu; replaces glutamine 550 with glutamic acid.
Molecular consequence: missense variant.
Genome position (GRCh38, 1-based): chr7:128,394,502, G>C on the plus strand (C>G on the coding strand, the complement: IMPDH1 is on the minus strand). VCF-style: chr7-128394502-G-C. GRCh37 (hg19) VCF-style: chr7-128034556-G-C.
Other names: c.1618C>G, p.Gln540Glu (NM_001102605.2); c.1393C>G, p.Gln465Glu (NM_001142573.2); c.1540C>G, p.Gln514Glu (NM_183243.3); c.1378C>G, p.Gln460Glu (NM_001142574.2); c.1318C>G, p.Gln440Glu (NM_001142575.2); c.1549C>G, p.Gln517Glu (NM_001142576.2); c.1441C>G, p.Gln481Glu (NM_001304521.2); short protein forms Q440E, Q460E, Q550E, Q517E, Q540E, Q514E, Q465E, Q481E.
Identifiers: ClinVar variation 3687316 (VCV003687316.2).
Genomic context (GRCh38, chr7:128,394,502, plus strand): 5'-GTCTCAGCACTCACCGAAGGACAGACAGGCTGCGGGCCCCGATATCCTGGCAGCCGTGTT[G>C]GATGCCTGCTATGAGGTAGGGCACGAACTTCTGAATGGATCCTTTGTCCTGGATGGAGCC-3'
Protein context (NP_000874.2, residues 540-560): KFVPYLIAGI[Gln550Glu]HGCQDIGARS